The following is an entry in ClinVar:

NM_032409.3(PINK1):c.1729T>C (p.Trp577Arg)

Genes: PINK1 (PTEN induced kinase 1; plus strand), PINK1-AS (PINK1 antisense RNA; minus strand). Cytogenetic location: 1p36.12.
Variant type: single nucleotide variant.
Coding change: c.1729T>C on transcript NM_032409.3 (MANE Select); coding-DNA position 1729, T replaced by C.
Protein change: p.Trp577Arg; replaces tryptophan 577 with arginine.
Molecular consequence: missense variant. On other transcripts: non-coding transcript variant (1).
Genome position (GRCh38, 1-based): chr1:20,650,674, T>C. VCF-style: chr1-20650674-T-C. GRCh37 (hg19) VCF-style: chr1-20977167-T-C.
Other names: short protein forms W577R.
Identifiers: ClinVar variation 876859 (VCV000876859.4), dbSNP rs747133533, ClinGen allele CA660917.

ClinVar aggregate classification (germline): Uncertain significance (1 of 4 stars; one submission).

Conditions:
Autosomal recessive early-onset Parkinson disease 6 (PARK6). Also called: PINK1-Related Parkinson Disease; PINK1 Type of Young-Onset Parkinson Disease; PARKINSON DISEASE 6, EARLY-ONSET; PARKINSON DISEASE 6, MODIFIER OF. Identifiers: Orphanet 2828, MedGen C1853833, MONDO:0011613, OMIM 605909.

Allele frequency attached by ClinVar (database versions not stated): gnomAD 0.00001; gnomAD exomes 0.00002 and 0.00003; TOPMed 0.00002; ExAC 0.00005.
gnomAD v4.1: 30 of 1,613,814 alleles (0.0019%); highest among the groups gnomAD compares: Middle Eastern, 0.016%; no homozygotes.

Submission:

Illumina Laboratory Services, Illumina
Classification: Uncertain significance for Autosomal recessive early-onset Parkinson disease 6. Last evaluated: 2017-04-27. Review status: criteria provided, single submitter. Criteria: ICSL Variant Classification Criteria 13 December 2019. Collection method: clinical testing. Allele origin: germline.
Comment: This variant was observed as part of a predisposition screen in an ostensibly healthy population. A literature search was performed for the gene, cDNA change, and amino acid change (where applicable). Publications were found based on this search. However, the evidence from the literature, in combination with allele frequency data from public databases where available, was not sufficient to rule this variant in or out of causing disease. Therefore, this variant is classified as a variant of unknown significance.

Literature cited by the submitters: PubMed 22764206.